The following is an entry in ClinVar:

ClinVar aggregate classification (germline): Uncertain significance (1 of 4 stars; one submission).

Conditions:
Charcot-Marie-Tooth disease type 2. Also called: Charcot-Marie-Tooth type 2. Identifiers: Orphanet 64746, MedGen C0270914, MONDO:0018993.

Allele frequency attached by ClinVar (database versions not stated): gnomAD exomes 0.00001; ExAC 0.00001.
gnomAD v4.1: 8 of 1,614,086 alleles (0.0005%); highest among the groups gnomAD compares: Non-Finnish European, 0.00068%; no homozygotes.

Submission:

Labcorp Genetics (formerly Invitae), Labcorp
Classification: Uncertain significance for Charcot-Marie-Tooth disease type 2. Last evaluated: 2022-12-10. Review status: criteria provided, single submitter. Criteria: Invitae Variant Classification Sherloc (09022015). Collection method: clinical testing. Allele origin: germline.
Comment: In summary, the available evidence is currently insufficient to determine the role of this variant in disease. Therefore, it has been classified as a Variant of Uncertain Significance. Advanced modeling of protein sequence and biophysical properties (such as structural, functional, and spatial information, amino acid conservation, physicochemical variation, residue mobility, and thermodynamic stability) performed at Invitae indicates that this missense variant is expected to disrupt MFN2 protein function. ClinVar contains an entry for this variant (Variation ID: 948111). This variant has not been reported in the literature in individuals affected with MFN2-related conditions. This variant is present in population databases (rs748233037, gnomAD 0.002%). This sequence change replaces lysine, which is basic and polar, with glutamine, which is neutral and polar, at codon 16 of the MFN2 protein (p.Lys16Gln).

NM_014874.4(MFN2):c.46A>C (p.Lys16Gln)

Gene: MFN2 (mitofusin 2; plus strand). Cytogenetic location: 1p36.22.
Variant type: single nucleotide variant.
Coding change: c.46A>C on transcript NM_014874.4 (MANE Select); coding-DNA position 46, A replaced by C.
Protein change: p.Lys16Gln; replaces lysine 16 with glutamine.
Molecular consequence: missense variant.
Genome position (GRCh38, 1-based): chr1:11,989,214, A>C. VCF-style: chr1-11989214-A-C. GRCh37 (hg19) VCF-style: chr1-12049271-A-C.
Other names: c.46A>C, p.Lys16Gln (NM_001127660.2); short protein forms K16Q.
Identifiers: ClinVar variation 948111 (VCV000948111.9), dbSNP rs748233037, ClinGen allele CA598731.